The following is an entry in ClinVar:

NM_000180.4(GUCY2D):c.1710C>T (p.His570=)

Gene: GUCY2D (guanylate cyclase 2D, retinal; plus strand). Cytogenetic location: 17p13.1.
Variant type: single nucleotide variant.
Coding change: c.1710C>T on transcript NM_000180.4 (MANE Select); coding-DNA position 1710, C replaced by T.
Protein change: p.His570=; no amino-acid change (histidine 570 retained).
Molecular consequence: synonymous variant.
Genome position (GRCh38, 1-based): chr17:8,009,547, C>T. VCF-style: chr17-8009547-C-T. GRCh37 (hg19) VCF-style: chr17-7912865-C-T.
Other names: c.1710C>T (NM_000180.3).
Identifiers: ClinVar variation 4933507 (VCV004933507.2).

ClinVar aggregate classification (germline): Likely benign. Review status: criteria provided, multiple submitters, no conflicts (2 of 4 stars). 2 submissions from 2 submitters: Likely benign (2). Last evaluated 2026-07-13.

Conditions:
GUCY2D-related disorder. Also called: GUCY2D-related condition.

gnomAD v4.1: 1 of 1,613,844 alleles (0.000062%); highest among the groups gnomAD compares: African/African-American, 0.0013%; no homozygotes.

Submissions (2):

PreventionGenetics, part of Exact Sciences
Classification: Likely benign for GUCY2D-related condition. Last evaluated: 2026-07-13. Review status: criteria provided, single submitter. Criteria: ACMG Guidelines, 2015. Collection method: clinical testing. Allele origin: germline.
Comment: This variant is classified as likely benign based on ACMG/AMP sequence variant interpretation guidelines (Richards et al. 2015 PMID: 25741868, with internal and published modifications).

Blueprint Genetics
Classification: Likely benign. Last evaluated: 2024-10-29. Review status: criteria provided, single submitter. Criteria: ACMG Guidelines, 2015. Collection method: clinical testing. Allele origin: germline.